The following is an entry in ClinVar:

NM_004990.4(MARS1):c.2245G>C (p.Ala749Pro)

Gene: MARS1 (methionyl-tRNA synthetase 1; plus strand). Cytogenetic location: 12q13.3.
Variant type: single nucleotide variant.
Coding change: c.2245G>C on transcript NM_004990.4 (MANE Select); coding-DNA position 2245, G replaced by C.
Protein change: p.Ala749Pro; replaces alanine 749 with proline.
Molecular consequence: missense variant.
Genome position (GRCh38, 1-based): chr12:57,515,190, G>C. VCF-style: chr12-57515190-G-C. GRCh37 (hg19) VCF-style: chr12-57908973-G-C.
Other names: short protein forms A749P.
Identifiers: ClinVar variation 3760382 (VCV003760382.2).

ClinVar aggregate classification (germline): Uncertain significance (1 of 4 stars; one submission).

Conditions:
Severe early-onset pulmonary alveolar proteinosis due to MARS deficiency. Also called: PULMONARY ALVEOLAR PROTEINOSIS, REUNION ISLAND; Interstitial lung and liver disease. Identifiers: Orphanet 440427, MedGen C4225400, MONDO:0014206, OMIM 615486.
Charcot-Marie-Tooth disease axonal type 2U. Also called: CHARCOT-MARIE-TOOTH NEUROPATHY, TYPE 2U; CHARCOT-MARIE-TOOTH DISEASE, AXONAL, AUTOSOMAL DOMINANT, TYPE 2U. Identifiers: Orphanet 397735, MedGen C4084821, MONDO:0014566, OMIM 616280.

gnomAD v4.1: 5 of 1,614,178 alleles (0.00031%); highest among the groups gnomAD compares: Non-Finnish European, 0.00042%; no homozygotes.

Submission:

Labcorp Genetics (formerly Invitae), Labcorp
Classification: Uncertain significance for Charcot-Marie-Tooth disease axonal type 2U; Severe early-onset pulmonary alveolar proteinosis due to MARS deficiency. Last evaluated: 2025-01-22. Review status: criteria provided, single submitter. Criteria: Invitae Variant Classification Sherloc (09022015). Collection method: clinical testing. Allele origin: germline.
Comment: This sequence change replaces alanine, which is neutral and non-polar, with proline, which is neutral and non-polar, at codon 749 of the MARS protein (p.Ala749Pro). This variant is not present in population databases (gnomAD no frequency). This variant has not been reported in the literature in individuals affected with MARS-related conditions. An algorithm developed to predict the effect of missense changes on protein structure and function (PolyPhen-2) suggests that this variant is likely to be disruptive. In summary, the available evidence is currently insufficient to determine the role of this variant in disease. Therefore, it has been classified as a Variant of Uncertain Significance.